The following is an entry in ClinVar:

NM_001039141.3(TRIOBP):c.3536_3537delinsAT (p.Arg1179His)

Gene: TRIOBP (TRIO and F-actin binding protein; plus strand). Cytogenetic location: 22q13.1.
Variant type: Indel.
Coding change: c.3536_3537delinsAT on transcript NM_001039141.3 (MANE Select); coding-DNA positions 3536 to 3537, GC replaced by AT.
Protein change: p.Arg1179His; replaces arginine 1179 with histidine.
Molecular consequence: missense variant.
Genome position (GRCh38, 1-based): chr22:37,726,092-37,726,093, GC replaced by AT. VCF-style: chr22-37726092-GC-AT. GRCh37 (hg19) VCF-style: chr22-38122099-GC-AT.
Other names: short protein forms R1179H.
Identifiers: ClinVar variation 2571160 (VCV002571160.27), dbSNP rs2518177041, ClinGen allele CA2580615305.

ClinVar aggregate classification (germline): Uncertain significance (1 of 4 stars; one submission).

Submission:

CeGaT Center for Human Genetics Tuebingen
Classification: Uncertain significance. Last evaluated: 2023-05-01. Review status: criteria provided, single submitter. Criteria: CeGaT Center For Human Genetics Tuebingen Variant Classification Criteria Version 2. Collection method: clinical testing. Allele origin: germline. Affected: yes. Observed: 1 variant allele.
Comment: TRIOBP: PM2, BP1